The following is an entry in ClinVar:

NM_005477.3(HCN4):c.1812G>A (p.Val604=)

Gene: HCN4 (hyperpolarization activated cyclic nucleotide gated potassium channel 4; minus strand). Cytogenetic location: 15q24.1.
Variant type: single nucleotide variant.
Coding change: c.1812G>A on transcript NM_005477.3 (MANE Select); coding-DNA position 1812, G replaced by A.
Protein change: p.Val604=; no amino-acid change (valine 604 retained).
Molecular consequence: synonymous variant.
Genome position (GRCh38, 1-based): chr15:73,325,121, C>T on the plus strand (G>A on the coding strand, the complement: HCN4 is on the minus strand). VCF-style: chr15-73325121-C-T. GRCh37 (hg19) VCF-style: chr15-73617462-C-T.
Identifiers: ClinVar variation 389588 (VCV000389588.2), dbSNP rs1057523478, ClinGen allele CA16607873.
Genomic context (GRCh38, chr15:73,325,121, plus strand): 5'-CCGGATGATGTAGTCCCCAGGCTGGAAGACCTCGAAACGCAGCTTGGTCAGCATGGACGT[C>T]ACGAAGTTGGGGTCCGCATTGGCAAACAGTGGCATGGAGGCCACCAGCTTCCGACAGTTA-3'
Protein context (NP_005468.1, residues 594-614): PLFANADPNF[Val604=]TSMLTKLRFE

ClinVar aggregate classification (germline): Likely benign. Review status: criteria provided, multiple submitters, no conflicts (2 of 4 stars). 2 submissions from 2 submitters: Likely benign (2). Last evaluated 2024-06-07.

Conditions:
Cardiovascular phenotype. Identifiers: MedGen CN230736.

Allele frequency attached by ClinVar (database versions not stated): gnomAD exomes below 0.00001; TOPMed below 0.00001.
gnomAD v4.1: 1 of 1,614,230 alleles (0.000062%); no homozygotes.

Submissions (2):

Ambry Genetics
Classification: Likely benign for Cardiovascular phenotype. Last evaluated: 2024-06-07. Review status: criteria provided, single submitter. Criteria: Ambry Variant Classification Scheme 2023. Collection method: clinical testing. Allele origin: germline.

GeneDx
Classification: Likely benign. Last evaluated: 2016-10-20. Review status: criteria provided, single submitter. Criteria: GeneDx Variant Classification (06012015). Collection method: clinical testing. Allele origin: germline. Affected: yes.
Comment: This variant is considered likely benign or benign based on one or more of the following criteria: it is a conservative change, it occurs at a poorly conserved position in the protein, it is predicted to be benign by multiple in silico algorithms, and/or has population frequency not consistent with disease.